The following is an entry in ClinVar:

ClinVar aggregate classification (germline): Pathogenic (1 of 4 stars; one submission).

Conditions:
Inborn genetic diseases. Identifiers: MedGen C0950123, MeSH D030342.

Submission:

Ambry Genetics
Classification: Pathogenic for Inborn genetic diseases. Last evaluated: 2023-04-17. Review status: criteria provided, single submitter. Criteria: Ambry Variant Classification Scheme 2023. Collection method: clinical testing. Allele origin: germline.
Comment: The c.1040dupA (p.Q348Afs*75) alteration, located in exon 1 (coding exon 1) of the IRF2BPL gene, consists of a duplication of one nucleotide at position 1040, causing a translational frameshift with a predicted alternate stop codon after 75 amino acids. Premature stop codons are typically deleterious in nature; however, because IRF2BPL is a single-exon gene, this alteration is not expected to trigger nonsense-mediated mRNA decay and a truncated protein could still be expressed (Maquat, 2004). This alteration removes the last 449 amino acids of the protein, and the exact functional impact of these amino acids is unknown at this time; however, structural analysis suggests this variant disrupts a functional motif. This variant was not reported in population-based cohorts in the Genome Aggregation Database (gnomAD). Based on the available evidence, this alteration is classified as pathogenic.

NM_024496.4(IRF2BPL):c.1040dup (p.Gln348fs)

Gene: IRF2BPL (interferon regulatory factor 2 binding protein like; minus strand). Cytogenetic location: 14q24.3.
Variant type: Duplication.
Coding change: c.1040dup on transcript NM_024496.4 (MANE Select); coding-DNA position 1040, one base duplicated (A; older notation c.1040dupA).
Protein change: p.Gln348fs; shifts the reading frame from glutamine 348.
Molecular consequence: frameshift variant.
Genome position (GRCh38, 1-based): chr14:77,026,753, T duplicated on the plus strand (A on the coding strand, the reverse complement: IRF2BPL is on the minus strand); the first of 2 consecutive T bases (chr14:77,026,753-77,026,754); duplicating either gives the same sequence. VCF-style (leftmost placement, unchanged base first): chr14-77026752-C-CT. GRCh37 (hg19) VCF-style: chr14-77493095-C-CT.
Other names: short protein forms Q348fs.
Identifiers: ClinVar variation 2525934 (VCV002525934.2), dbSNP rs2503076637, ClinGen allele CA2580613734.